The following is an entry in ClinVar:

ClinVar aggregate classification (germline): Conflicting classifications of pathogenicity. Review status: criteria provided, conflicting classifications (1 of 4 stars). 4 submissions from 4 submitters: Likely pathogenic (1); Uncertain significance (2). 1 of the submissions does not count toward it. Last evaluated 2025-12-17.

Conditions:
Hereditary cancer-predisposing syndrome. Also called: Tumor predisposition; Neoplastic Syndromes, Hereditary; Hereditary Cancer Syndrome; Hereditary neoplastic syndrome. Identifiers: Orphanet 140162, MedGen C0027672, MeSH D009386, MONDO:0015356.
Colorectal cancer, susceptibility to, 12 (CRCS12). Also called: COLORECTAL CANCER, SUSCEPTIBILITY TO, ON CHROMOSOME 12q24. Identifiers: Orphanet 220460, MedGen C3554460, MONDO:0014038, OMIM 615083.

Allele frequency attached by ClinVar (database versions not stated): gnomAD exomes 0.00001.
gnomAD v4.1: 12 of 1,610,794 alleles (0.00074%); highest among the groups gnomAD compares: Non-Finnish European, 0.001%; no homozygotes.

Submissions (4):

Ambry Genetics
Classification: Uncertain significance for Hereditary cancer-predisposing syndrome. Last evaluated: 2025-12-17. Review status: criteria provided, single submitter. Criteria: Ambry Variant Classification Scheme 2023. Collection method: clinical testing. Allele origin: germline.
Comment: The c.4006-1G>T intronic variant results from a G to T substitution one nucleotide upstream from coding exon 32 of the POLE gene. Alterations that disrupt the canonical splice site are expected to result in aberrant splicing. In silico splice site analysis predicts that this alteration will weaken the native splice acceptor site and will result in the creation or strengthening of a novel splice acceptor site. A resulting transcript is predicted to be in-frame and is not expected to trigger nonsense-mediated mRNAdecay; although, direct evidence is unavailable. This nucleotide position is highly conserved in available vertebrate species. Based on the available evidence, the clinical significance of this variant remains unclear.

Blueprint Genetics
Classification: Uncertain significance. Last evaluated: 2024-11-08. Review status: criteria provided, single submitter. Criteria: ACMG Guidelines, 2015. Collection method: clinical testing. Allele origin: germline.

Labcorp Genetics (formerly Invitae), Labcorp
Classification: Likely pathogenic. Last evaluated: 2024-01-15. Review status: criteria provided, single submitter. Criteria: Invitae Variant Classification Sherloc (09022015). Collection method: clinical testing. Allele origin: germline.
Comment: This sequence change affects an acceptor splice site in intron 31 of the POLE gene. It is expected to disrupt RNA splicing. Variants that disrupt the donor or acceptor splice site typically lead to a loss of protein function (PMID: 16199547), and loss-of-function variants in POLE are known to be pathogenic (PMID: 23230001, 25948378, 30503519). This variant is not present in population databases (gnomAD no frequency). This variant has not been reported in the literature in individuals affected with POLE-related conditions. ClinVar contains an entry for this variant (Variation ID: 374970). Algorithms developed to predict the effect of sequence changes on RNA splicing suggest that this variant may disrupt the consensus splice site. In summary, the currently available evidence indicates that the variant is pathogenic, but additional data are needed to prove that conclusively. Therefore, this variant has been classified as Likely Pathogenic.

Knight Diagnostic Laboratories, Oregon Health and Sciences University
Classification: Uncertain significance for Colorectal cancer, susceptibility to, 12. Last evaluated: 2015-12-04. Review status: no assertion criteria provided. Criteria: ACMG Guidelines, 2015. Collection method: clinical testing. Allele origin: germline. Affected: no. Study: CSER-NextGen. Not counted in ClinVar's aggregate classification.

Literature cited by the submitters: PubMed 16199547 (cited by Labcorp Genetics (formerly Invitae), Labcorp); PubMed 23230001 (cited by Labcorp Genetics (formerly Invitae), Labcorp); PubMed 25948378 (cited by Labcorp Genetics (formerly Invitae), Labcorp); PubMed 30503519 (cited by Labcorp Genetics (formerly Invitae), Labcorp).

NM_006231.4(POLE):c.4006-1G>T

Gene: POLE (DNA polymerase epsilon, catalytic subunit; minus strand). Cytogenetic location: 12q24.33.
Variant type: single nucleotide variant.
Coding change: c.4006-1G>T on transcript NM_006231.4 (MANE Select); the canonical splice acceptor site of the intron before coding-DNA position 4006, G replaced by T.
Molecular consequence: splice acceptor variant.
Genome position (GRCh38, 1-based): chr12:132,649,073, C>A on the plus strand (G>T on the coding strand, the complement: POLE is on the minus strand). VCF-style: chr12-132649073-C-A. GRCh37 (hg19) VCF-style: chr12-133225659-C-A.
Identifiers: ClinVar variation 374970 (VCV000374970.13), dbSNP rs1057519256, ClinGen allele CA16043996.
Genomic context (GRCh38, chr12:132,649,073, plus strand): 5'-CAAGTCACTGCCAACGAGCGCCCACAGCCTGAACAGGCCGGCCTGGCTGGTCTCGCTGAT[C>A]TGAAAGGCCACACGGACATACAGCACATCACAGGACACACTGGAACCCACAGACGGGGCC-3'